The following is an entry in ClinVar:

ClinVar aggregate classification (germline): Benign/Likely benign. Review status: criteria provided, multiple submitters, no conflicts (2 of 4 stars). 6 submissions from 6 submitters: Benign (2); Likely benign (3). 1 of the submissions does not count toward it. Last evaluated 2026-01-01.

Conditions:
Hereditary cancer-predisposing syndrome. Also called: Tumor predisposition; Hereditary Cancer Syndrome; Neoplastic Syndromes, Hereditary; Hereditary neoplastic syndrome. Identifiers: Orphanet 140162, MedGen C0027672, MeSH D009386, MONDO:0015356.
ALK-related disorder. Also called: ALK-related condition.
Neuroblastoma, susceptibility to, 3. Also called: ALK-Related Neuroblastic Tumor Susceptibility. Identifiers: Orphanet 635, MedGen C2751681, MONDO:0013083, OMIM 613014.

Allele frequency attached by ClinVar (database versions not stated): gnomAD exomes 0.00013; ExAC 0.00016; 1000 Genomes Project 30x 0.00031; 1000 Genomes Project 0.00040; gnomAD 0.00043 and 0.00048; TOPMed 0.00045; ESP Exome Variant Server 0.00046.
gnomAD v4.1: 158 of 1,613,890 alleles (0.0098%); highest among the groups gnomAD compares: African/African-American, 0.15%; no homozygotes.

Submissions (6):

CeGaT Center for Human Genetics Tuebingen
Classification: Likely benign. Last evaluated: 2026-01-01. Review status: criteria provided, single submitter. Criteria: CeGaT Center For Human Genetics Tuebingen Variant Classification Criteria Version 2. Collection method: clinical testing. Allele origin: germline. Affected: yes. Observed: 1 variant allele.
Comment: ALK: BP4, BP7

Labcorp Genetics (formerly Invitae), Labcorp
Classification: Benign for Neuroblastoma, susceptibility to, 3. Last evaluated: 2025-12-20. Review status: criteria provided, single submitter. Criteria: Invitae Variant Classification Sherloc (09022015). Collection method: clinical testing. Allele origin: germline.

KCCC/NGS Laboratory, Kuwait Cancer Control Center
Classification: Benign for Neuroblastoma, susceptibility to, 3. Last evaluated: 2023-07-07. Review status: criteria provided, single submitter. Criteria: ACMG Guidelines, 2015. Collection method: clinical testing. Allele origin: germline. Affected: yes.

Ambry Genetics
Classification: Likely benign for Hereditary cancer-predisposing syndrome. Last evaluated: 2022-02-22. Review status: criteria provided, single submitter. Criteria: Ambry Variant Classification Scheme 2023. Collection method: clinical testing. Allele origin: germline.

Sema4
Classification: Likely benign for Hereditary cancer-predisposing syndrome. Last evaluated: 2021-06-25. Review status: criteria provided, single submitter. Criteria: Sema4 Curation Guidelines. Collection method: curation. Allele origin: germline.

PreventionGenetics, part of Exact Sciences
Classification: Likely benign for ALK-related condition. Last evaluated: 2022-10-19. Review status: no assertion criteria provided. Collection method: clinical testing. Allele origin: germline. Not counted in ClinVar's aggregate classification.
Comment: This variant is classified as likely benign based on ACMG/AMP sequence variant interpretation guidelines (Richards et al. 2015 PMID: 25741868, with internal and published modifications).

NM_004304.5(ALK):c.2343C>T (p.Asp781=)

Gene: ALK (ALK receptor tyrosine kinase; minus strand). Cytogenetic location: 2p23.2.
Variant type: single nucleotide variant.
Coding change: c.2343C>T on transcript NM_004304.5 (MANE Select); coding-DNA position 2343, C replaced by T.
Protein change: p.Asp781=; no amino-acid change (aspartic acid 781 retained).
Molecular consequence: synonymous variant.
Genome position (GRCh38, 1-based): chr2:29,239,692, G>A on the plus strand (C>T on the coding strand, the complement: ALK is on the minus strand). VCF-style: chr2-29239692-G-A. GRCh37 (hg19) VCF-style: chr2-29462558-G-A.
Identifiers: ClinVar variation 239804 (VCV000239804.21), dbSNP rs61754933, ClinGen allele CA1594358.